The following is an entry in ClinVar:

NM_000053.4(ATP7B):c.2204T>G (p.Leu735Arg)

Gene: ATP7B (ATPase copper transporting beta; minus strand). Cytogenetic location: 13q14.3.
Variant type: single nucleotide variant.
Coding change: c.2204T>G on transcript NM_000053.4 (MANE Select); coding-DNA position 2204, T replaced by G.
Protein change: p.Leu735Arg; replaces leucine 735 with arginine.
Molecular consequence: missense variant. On other transcripts: intron variant (2).
Genome position (GRCh38, 1-based): chr13:51,958,462, A>C on the plus strand (T>G on the coding strand, the complement: ATP7B is on the minus strand). VCF-style: chr13-51958462-A-C. GRCh37 (hg19) VCF-style: chr13-52532598-A-C.
Other names: c.1871T>G, p.Leu624Arg (NM_001243182.2); c.1952T>G, p.Leu651Arg (NM_001330579.2, NM_001406531.1, NM_001406532.1 and 1 more transcripts); c.2204T>G, p.Leu735Arg (NM_001406511.1, NM_001406512.1, NM_001406513.1 and 7 more transcripts); c.2171T>G, p.Leu724Arg (NM_001406514.1); c.2108T>G, p.Leu703Arg (NM_001406517.1, NM_001406518.1); c.1775T>G, p.Leu592Arg (NM_001406539.1); c.1856T>G, p.Leu619Arg (NM_001406543.1); c.1870-855T>G (NM_001005918.3); and 2 more; short protein forms L592R, L619R, L624R, L651R, L703R, L724R, L735R.
Identifiers: ClinVar variation 2419044 (VCV002419044.7), dbSNP rs2547715854, ClinGen allele CA388022712.

ClinVar aggregate classification (germline): Pathogenic. Review status: criteria provided, single submitter (1 of 4 stars). 2 submissions from 2 submitters: Pathogenic (1). 1 of the submissions does not count toward it. Last evaluated 2022-06-27.

Conditions:
Wilson disease (WND). Also called: Wilson's disease. Identifiers: Orphanet 905, MedGen C0019202, MONDO:0010200, OMIM 277900. Disease mechanism: loss of function.

Allele frequency attached by ClinVar (database versions not stated): gnomAD exomes below 0.00001.
gnomAD v4.1: 1 of 1,614,276 alleles (0.000062%); highest among the groups gnomAD compares: Middle Eastern, 0.016%; no homozygotes.

Submissions (2):

Labcorp Genetics (formerly Invitae), Labcorp
Classification: Pathogenic for Wilson disease. Last evaluated: 2022-06-27. Review status: criteria provided, single submitter. Criteria: Invitae Variant Classification Sherloc (09022015). Collection method: clinical testing. Allele origin: germline.
Comment: For these reasons, this variant has been classified as Pathogenic. Advanced modeling of protein sequence and biophysical properties (such as structural, functional, and spatial information, amino acid conservation, physicochemical variation, residue mobility, and thermodynamic stability) performed at Invitae indicates that this missense variant is expected to disrupt ATP7B protein function. This missense change has been observed in individual(s) with Wilson disease (PMID: 31059521). This variant is not present in population databases (gnomAD no frequency). This sequence change replaces leucine, which is neutral and non-polar, with arginine, which is basic and polar, at codon 735 of the ATP7B protein (p.Leu735Arg).

Natera, Inc.
Classification: Uncertain significance for Wilson disease. Last evaluated: 2025-02-18. Review status: no assertion criteria provided. Collection method: clinical testing. Allele origin: germline. Not counted in ClinVar's aggregate classification.

Literature cited by the submitters: PubMed 31059521 (cited by Labcorp Genetics (formerly Invitae), Labcorp).